The following is an entry in ClinVar:

NM_001848.3(COL6A1):c.225C>G (p.Asp75Glu)

Gene: COL6A1 (collagen type VI alpha 1 chain; plus strand). Cytogenetic location: 21q22.3.
Variant type: single nucleotide variant.
Coding change: c.225C>G on transcript NM_001848.3 (MANE Select); coding-DNA position 225, C replaced by G.
Protein change: p.Asp75Glu; replaces aspartic acid 75 with glutamic acid.
Molecular consequence: missense variant.
Genome position (GRCh38, 1-based): chr21:45,982,761, C>G. VCF-style: chr21-45982761-C-G. GRCh37 (hg19) VCF-style: chr21-47402675-C-G.
Other names: short protein forms D75E.
Identifiers: ClinVar variation 2199520 (VCV002199520.4), dbSNP rs2526307671, ClinGen allele CA410514821.

ClinVar aggregate classification (germline): Uncertain significance (1 of 4 stars; one submission).

Conditions:
Bethlem myopathy 1A. Also called: Bethlem Muscular Dystrophy; MYOPATHY, BENIGN CONGENITAL, WITH CONTRACTURES; Bethlem myopathy 1. Identifiers: Orphanet 610, MedGen CN029274, MONDO:0024530, OMIM 158810.

Submission:

Labcorp Genetics (formerly Invitae), Labcorp
Classification: Uncertain significance for Bethlem myopathy 1A. Last evaluated: 2023-08-17. Review status: criteria provided, single submitter. Criteria: Invitae Variant Classification Sherloc (09022015). Collection method: clinical testing. Allele origin: germline.
Comment: ClinVar contains an entry for this variant (Variation ID: 2199520). In summary, the available evidence is currently insufficient to determine the role of this variant in disease. Therefore, it has been classified as a Variant of Uncertain Significance. Experimental studies and prediction algorithms are not available or were not evaluated, and the functional significance of this variant is currently unknown. This variant has not been reported in the literature in individuals affected with COL6A1-related conditions. This variant is not present in population databases (gnomAD no frequency). This sequence change replaces aspartic acid, which is acidic and polar, with glutamic acid, which is acidic and polar, at codon 75 of the COL6A1 protein (p.Asp75Glu).